The following is an entry in ClinVar:

NM_182961.4(SYNE1):c.13710T>C (p.Asp4570=)

Gene: SYNE1 (spectrin repeat containing nuclear envelope protein 1; minus strand). Cytogenetic location: 6q25.2.
Variant type: single nucleotide variant.
Coding change: c.13710T>C on transcript NM_182961.4 (MANE Select); coding-DNA position 13710, T replaced by C.
Protein change: p.Asp4570=; no amino-acid change (aspartic acid 4570 retained).
Molecular consequence: synonymous variant.
Genome position (GRCh38, 1-based): chr6:152,330,975, A>G on the plus strand (T>C on the coding strand, the complement: SYNE1 is on the minus strand). VCF-style: chr6-152330975-A-G. GRCh37 (hg19) VCF-style: chr6-152652110-A-G.
Other names: c.13497T>C, p.Asp4499= (NM_033071.5); c.13710T>C (NM_182961.2).
Identifiers: ClinVar variation 1155601 (VCV001155601.32), dbSNP rs563207771, ClinGen allele CA4056134.

ClinVar aggregate classification (germline): Likely benign. Review status: criteria provided, multiple submitters, no conflicts (2 of 4 stars). 3 submissions from 3 submitters: Likely benign (3). Last evaluated 2025-04-15.

Conditions:
Autosomal recessive ataxia, Beauce type. Also called: SYNE1-Related Autosomal Recessive Cerebellar Ataxia; ATAXIA, RECESSIVE, OF BEAUCE; SYNE1 Deficiency; Spinocerebellar ataxia, autosomal recessive 8. Identifiers: Orphanet 88644, MedGen C1853116, MONDO:0012549, OMIM 610743.
Emery-Dreifuss muscular dystrophy 4, autosomal dominant (EDMD4). Also called: EMERY-DREIFUSS MUSCULAR DYSTROPHY 4 WITH VARIABLE FEATURES. Identifiers: Orphanet 261, MedGen C2751807, MONDO:0013071, OMIM 612998.

Allele frequency attached by ClinVar (database versions not stated): gnomAD 0.00001; TOPMed 0.00001; gnomAD exomes 0.00003 and 0.00008; ExAC 0.00006; 1000 Genomes Project 30x 0.00016; 1000 Genomes Project 0.00020.
gnomAD v4.1: 45 of 1,614,192 alleles (0.0028%); highest among the groups gnomAD compares: Middle Eastern, 0.066%; no homozygotes.

Submissions (3):

Athena Diagnostics
Classification: Likely benign. Last evaluated: 2025-04-15. Review status: criteria provided, single submitter. Criteria: Athena Diagnostics Criteria. Collection method: clinical testing. Allele origin: unknown.
Comment: Computational tools yielded predictions that this variant is unlikely to have an effect on normal RNA splicing. This nucleotide position exhibits low evolutionary conservation.

Labcorp Genetics (formerly Invitae), Labcorp
Classification: Likely benign for Emery-Dreifuss muscular dystrophy 4, autosomal dominant; Autosomal recessive ataxia, Beauce type. Last evaluated: 2024-10-07. Review status: criteria provided, single submitter. Criteria: Invitae Variant Classification Sherloc (09022015). Collection method: clinical testing. Allele origin: germline.

CeGaT Center for Human Genetics Tuebingen
Classification: Likely benign. Last evaluated: 2022-09-01. Review status: criteria provided, single submitter. Criteria: CeGaT Center For Human Genetics Tuebingen Variant Classification Criteria Version 2. Collection method: clinical testing. Allele origin: germline. Affected: yes. Observed: 1 variant allele.
Comment: SYNE1: BP4, BP7